The following is an entry in ClinVar:

ClinVar aggregate classification (germline): Uncertain significance (1 of 4 stars; one submission).

Conditions:
Rhabdoid tumor predisposition syndrome 2 (RTPS2). Identifiers: Orphanet 231108, Orphanet 69077, MedGen C2750074, MONDO:0013224, OMIM 613325.

Submission:

Labcorp Genetics (formerly Invitae), Labcorp
Classification: Uncertain significance for Rhabdoid tumor predisposition syndrome 2. Last evaluated: 2025-09-25. Review status: criteria provided, single submitter. Criteria: Invitae Variant Classification Sherloc (09022015). Collection method: clinical testing. Allele origin: germline.
Comment: This sequence change falls in intron 26 of the SMARCA4 gene. It does not directly change the encoded amino acid sequence of the SMARCA4 protein. This variant is not present in population databases (gnomAD no frequency). This variant has not been reported in the literature in individuals affected with SMARCA4-related conditions. ClinVar contains an entry for this variant (Variation ID: 408636). Algorithms developed to predict the effect of sequence changes on RNA splicing suggest that this variant may disrupt the consensus splice site. In summary, the available evidence is currently insufficient to determine the role of this variant in disease. Therefore, it has been classified as a Variant of Uncertain Significance.

NM_003072.5(SMARCA4):c.3775-10_3775-7del

Gene: SMARCA4 (SWI/SNF related BAF chromatin remodeling complex subunit ATPase 4; plus strand). Cytogenetic location: 19p13.2.
Variant type: Deletion.
Coding change: c.3775-10_3775-7del on transcript NM_003072.5 (MANE Select); 10 bases into the intron before coding-DNA position 3775 through 7 bases into the intron before coding-DNA position 3775, 4 bases deleted (TTAT; older notation c.3775-10_3775-7delTTAT).
Molecular consequence: intron variant.
Genome position (GRCh38, 1-based): chr19:11,033,757-11,033,760, TTAT deleted; deleting any 4 consecutive bases within chr19:11,033,754-11,033,760 gives the same sequence; the c. name uses the placement nearest the transcript's 3' end. VCF-style (leftmost placement, unchanged base first): chr19-11033753-CTATT-C. GRCh37 (hg19) VCF-style: chr19-11144429-CTATT-C.
Other names: c.3775-10_3775-7del (NM_001128844.3, NM_001128849.3, NM_001387283.1); c.3774+240_3774+243del (NM_001128847.4, NM_001374457.1, NM_001128845.2 and 2 more transcripts); c.3775-10_3775-7delTTAT (NM_001128849.1).
Identifiers: ClinVar variation 408636 (VCV000408636.9), dbSNP rs1060502076, ClinGen allele CA16616172.
Genomic context (GRCh38, chr19:11,033,753, plus strand): 5'-TTTTTTTTCTAAACTGCTGGTGAAAGACGCCGGATTGACAGCCCTGGAGACTGAAGTCCT[CTATT>C]TATCCACAGAGCAGACACTGCAGCACGGGCAGCGGCAGTGCCAGCTTCGCCCACACTGCC-3'